The following is an entry in ClinVar:

NM_001330078.2(NRXN1):c.349G>T (p.Val117Leu)

Gene: NRXN1 (neurexin 1; minus strand). Cytogenetic location: 2p16.3.
Variant type: single nucleotide variant.
Coding change: c.349G>T on transcript NM_001330078.2 (MANE Select); coding-DNA position 349, G replaced by T.
Protein change: p.Val117Leu; replaces valine 117 with leucine.
Molecular consequence: missense variant.
Genome position (GRCh38, 1-based): chr2:51,027,925, C>A on the plus strand (G>T on the coding strand, the complement: NRXN1 is on the minus strand). VCF-style: chr2-51027925-C-A. GRCh37 (hg19) VCF-style: chr2-51255063-C-A.
Other names: c.349G>T, p.Val117Leu (NM_001135659.3, NM_001330077.2, NM_001330079.2 and 15 more transcripts); short protein forms V117L.
Identifiers: ClinVar variation 2695485 (VCV002695485.3), dbSNP rs1422311373, ClinGen allele CA346824188.
Genomic context (GRCh38, chr2:51,027,925, plus strand): 5'-ACTTGGCCTCCACCTGGTCGATGAAGAGCGTGGTGTTGCGGAACTGGCGGCGGATGCGCA[C>A]GCTGTGCCAGGCGCCGTCGTTAACCGGCGTGTCGGCCAGGAGCGTCGCAGGCTCAGCGCA-3'
Protein context (NP_001317007.1, residues 107-127): TPVNDGAWHS[Val117Leu]RIRRQFRNTT

ClinVar aggregate classification (germline): Uncertain significance (1 of 4 stars; one submission).

Conditions:
Pitt-Hopkins-like syndrome 2 (PTHSL2). Identifiers: Orphanet 221150, Orphanet 600663, MedGen C3280479, MONDO:0013690, OMIM 614325.

Submission:

Labcorp Genetics (formerly Invitae), Labcorp
Classification: Uncertain significance for Pitt-Hopkins-like syndrome 2. Last evaluated: 2023-12-30. Review status: criteria provided, single submitter. Criteria: Invitae Variant Classification Sherloc (09022015). Collection method: clinical testing. Allele origin: germline.
Comment: This sequence change replaces valine, which is neutral and non-polar, with leucine, which is neutral and non-polar, at codon 117 of the NRXN1 protein (p.Val117Leu). This variant is not present in population databases (gnomAD no frequency). This variant has not been reported in the literature in individuals affected with NRXN1-related conditions. An algorithm developed to predict the effect of missense changes on protein structure and function (PolyPhen-2) suggests that this variant is likely to be disruptive. In summary, the available evidence is currently insufficient to determine the role of this variant in disease. Therefore, it has been classified as a Variant of Uncertain Significance.